The following is an entry in ClinVar:

ClinVar aggregate classification (germline): Uncertain significance (1 of 4 stars; one submission).

Conditions:
Baller-Gerold syndrome (BGS). Also called: CRANIOSYNOSTOSIS WITH RADIAL DEFECTS. Identifiers: Orphanet 1225, MedGen C0265308, MONDO:0009039, OMIM 218600.

Submission:

Labcorp Genetics (formerly Invitae), Labcorp
Classification: Uncertain significance for Baller-Gerold syndrome. Last evaluated: 2023-01-20. Review status: criteria provided, single submitter. Criteria: Invitae Variant Classification Sherloc (09022015). Collection method: clinical testing. Allele origin: germline.
Comment: ClinVar contains an entry for this variant (Variation ID: 856381). This variant has not been reported in the literature in individuals affected with RECQL4-related conditions. This variant is not present in population databases (gnomAD no frequency). This sequence change replaces glutamine, which is neutral and polar, with arginine, which is basic and polar, at codon 1114 of the RECQL4 protein (p.Gln1114Arg). Advanced modeling of protein sequence and biophysical properties (such as structural, functional, and spatial information, amino acid conservation, physicochemical variation, residue mobility, and thermodynamic stability) performed at Invitae indicates that this missense variant is not expected to disrupt RECQL4 protein function. In summary, the available evidence is currently insufficient to determine the role of this variant in disease. Therefore, it has been classified as a Variant of Uncertain Significance.

NM_004260.4(RECQL4):c.3341A>G (p.Gln1114Arg)

Gene: RECQL4 (RecQ like helicase 4; minus strand). Cytogenetic location: 8q24.3.
Variant type: single nucleotide variant.
Coding change: c.3341A>G on transcript NM_004260.4 (MANE Select); coding-DNA position 3341, A replaced by G.
Protein change: p.Gln1114Arg; replaces glutamine 1114 with arginine.
Molecular consequence: missense variant.
Genome position (GRCh38, 1-based): chr8:144,511,963, T>C on the plus strand (A>G on the coding strand, the complement: RECQL4 is on the minus strand). VCF-style: chr8-144511963-T-C. GRCh37 (hg19) VCF-style: chr8-145737346-T-C.
Other names: short protein forms Q1114R.
Identifiers: ClinVar variation 856381 (VCV000856381.5), dbSNP rs1827298476, ClinGen allele CA372668476.